The following is an entry in ClinVar:

ClinVar aggregate classification (germline): Likely benign (1 of 4 stars; one submission).

Submission:

CeGaT Center for Human Genetics Tuebingen
Classification: Likely benign. Last evaluated: 2023-03-01. Review status: criteria provided, single submitter. Criteria: CeGaT Center For Human Genetics Tuebingen Variant Classification Criteria Version 2. Collection method: clinical testing. Allele origin: germline. Affected: yes. Observed: 1 variant allele.
Comment: CHST7: PM2:Supporting, BP4, BP7

NM_019886.4(CHST7):c.993G>T (p.Leu331=)

Gene: CHST7 (carbohydrate sulfotransferase 7; plus strand). Cytogenetic location: Xp11.3.
Variant type: single nucleotide variant.
Coding change: c.993G>T on transcript NM_019886.4 (MANE Select); coding-DNA position 993, G replaced by T.
Protein change: p.Leu331=; no amino-acid change (leucine 331 retained).
Molecular consequence: synonymous variant.
Genome position (GRCh38, 1-based): chrX:46,574,924, G>T. VCF-style: chrX-46574924-G-T. GRCh37 (hg19) VCF-style: chrX-46434359-G-T.
Identifiers: ClinVar variation 2660383 (VCV002660383.24), dbSNP rs1942489234, ClinGen allele CA516370008.
Genomic context (GRCh38, chrX:46,574,924, plus strand): 5'-CCACCGTGTGCTGCTGGCGCACGGCGTGGGTGCTCGCCCCGGGGGCCAGTCTCGCGCGCT[G>T]CCCGCCGCGCCGCGCGCCGATTTCTTCCTGACCGGTGCGCTCGAGGTGATCTGCGAAGCC-3'
Protein context (NP_063939.2, residues 321-341): GARPGGQSRA[Leu331=]PAAPRADFFL